The following is an entry in ClinVar:

ClinVar aggregate classification (germline): Benign/Likely benign. Review status: criteria provided, multiple submitters, no conflicts (2 of 4 stars). 9 submissions from 9 submitters: Benign (7); Likely benign (1). 1 of the submissions does not count toward it. Last evaluated 2026-02-04.

Conditions:
Glycogen storage disease, type V (GSD5). Also called: McArdle type glycogen storage disease; MUSCLE GLYCOGEN PHOSPHORYLASE DEFICIENCY; MCARDLE DISEASE; MYOPHOSPHORYLASE DEFICIENCY; PYGM DEFICIENCY. Identifiers: Orphanet 368, MedGen C0017924, MONDO:0009293, OMIM 232600.

Allele frequency attached by ClinVar (database versions not stated): 1000 Genomes Project 30x 0.01889; TOPMed 0.01869; ESP Exome Variant Server 0.02101; 1000 Genomes Project 0.01757.
gnomAD v4.1: 5,020 of 1,612,032 alleles (0.31%); highest among the groups gnomAD compares: African/African-American, 5.8%; 139 homozygotes.

Submissions (13):

Labcorp Genetics (formerly Invitae), Labcorp
Classification: Benign for Glycogen storage disease, type V. Last evaluated: 2026-02-04. Review status: criteria provided, single submitter. Criteria: Invitae Variant Classification Sherloc (09022015). Collection method: clinical testing. Allele origin: germline.

ARUP Laboratories, Molecular Genetics and Genomics, ARUP Laboratories
Classification: Benign for Glycogen storage disease, type V. Last evaluated: 2023-11-22. Review status: criteria provided, single submitter. Criteria: ARUP Molecular Germline Variant Investigation Process 2024. Collection method: clinical testing. Allele origin: germline.

Fulgent Genetics
Classification: Likely benign for Glycogen storage disease, type V. Last evaluated: 2021-08-02. Review status: criteria provided, single submitter. Criteria: ACMG Guidelines, 2015. Collection method: clinical testing. Allele origin: unknown.

Mayo Clinic Laboratories, Mayo Clinic
Classification: Benign. Last evaluated: 2018-11-20. Review status: criteria provided, single submitter. Criteria: ACMG Guidelines, 2015. Collection method: clinical testing. Allele origin: germline. Observed: 21 variant alleles.

Illumina Laboratory Services, Illumina
Classification: Benign for Glycogen storage disease, type V. Last evaluated: 2018-01-13. Review status: criteria provided, single submitter. Criteria: ICSL Variant Classification Criteria 13 December 2019. Collection method: clinical testing. Allele origin: germline.
Comment: This variant was observed in the ICSL laboratory as part of a predisposition screen in an ostensibly healthy population. It had not been previously curated by ICSL or reported in the Human Gene Mutation Database (HGMD: prior to June 1st, 2018), and was therefore a candidate for classification through an automated scoring system. Utilizing variant allele frequency, disease prevalence and penetrance estimates, and inheritance mode, an automated score was calculated to assess if this variant is too frequent to cause the disease. Based on the score and internal cut-off values, a variant classified as benign is not then subjected to further curation. The score for this variant resulted in a classification of benign for this disease.

GeneDx
Classification: Benign. Last evaluated: 2016-03-03. Review status: criteria provided, single submitter. Criteria: GeneDx Variant Classification (06012015). Collection method: clinical testing. Allele origin: germline. Affected: yes.
Comment: This variant is considered likely benign or benign based on one or more of the following criteria: it is a conservative change, it occurs at a poorly conserved position in the protein, it is predicted to be benign by multiple in silico algorithms, and/or has population frequency not consistent with disease.

Eurofins Ntd Llc (ga)
Classification: Benign. Last evaluated: 2013-05-28. Review status: criteria provided, single submitter. Criteria: EGL Classification Definitions 2015. Collection method: clinical testing. Allele origin: germline. Observed: 5 variant alleles, 5 heterozygotes.

PreventionGenetics, part of Exact Sciences
Classification: Benign. Review status: criteria provided, single submitter. Criteria: ACMG Guidelines, 2015. Collection method: clinical testing. Allele origin: germline.

Natera, Inc.
Classification: Benign for Glycogen storage disease V. Last evaluated: 2020-09-16. Review status: no assertion criteria provided. Collection method: clinical testing. Allele origin: germline. Not counted in ClinVar's aggregate classification.

Dr. Peter K. Rogan Lab, Western University
No classification provided (evidence only). Condition: Acute myeloid leukemia. Review status: no classification provided. Collection method: in vitro. Allele origin: not applicable. Functional consequence: retained intron. Not counted in ClinVar's aggregate classification.

Dr. Peter K. Rogan Lab, Western University
No classification provided (evidence only). Condition: Uterine corpus endometrial carcinoma. Review status: no classification provided. Collection method: in vitro. Allele origin: not applicable. Functional consequence: retained intron. Not counted in ClinVar's aggregate classification.

Dr. Peter K. Rogan Lab, Western University
No classification provided (evidence only). Condition: Cervical cancer. Review status: no classification provided. Collection method: in vitro. Allele origin: not applicable. Functional consequence: retained intron. Not counted in ClinVar's aggregate classification.

Dr. Peter K. Rogan Lab, Western University
No classification provided (evidence only). Condition: Cervical cancer. Review status: no classification provided. Collection method: in vitro. Allele origin: not applicable. Functional consequence: retained intron. Not counted in ClinVar's aggregate classification.

NM_005609.4(PYGM):c.661-5C>G

Gene: PYGM (glycogen phosphorylase, muscle associated; minus strand). Cytogenetic location: 11q13.1.
Variant type: single nucleotide variant.
Coding change: c.661-5C>G on transcript NM_005609.4 (MANE Select); 5 bases into the intron before coding-DNA position 661, C replaced by G.
Molecular consequence: intron variant.
Genome position (GRCh38, 1-based): chr11:64,755,563, G>C on the plus strand (C>G on the coding strand, the complement: PYGM is on the minus strand). VCF-style: chr11-64755563-G-C. GRCh37 (hg19) VCF-style: chr11-64523035-G-C.
Other names: p.?; c.397-5C>G (NM_001164716.1).
Identifiers: ClinVar variation 95300 (VCV000095300.24), dbSNP rs75633423, ClinGen allele CA148403.